The following is an entry in ClinVar:

Conditions:
Breast-ovarian cancer, familial, susceptibility to, 1 (BROVCA1). Also called: BRCA1 Hereditary Breast and Ovarian Cancer; OVARIAN CANCER, SUSCEPTIBILITY TO. Identifiers: Orphanet 145, MedGen C2676676, MONDO:0011450, OMIM 604370. Disease mechanism: loss of function.

Submission:

Brotman Baty Institute, University of Washington
No classification provided (evidence only). Condition: Breast-ovarian cancer, familial 1. Review status: no classification provided. Collection method: in vitro. Allele origin: not applicable. Functional consequence: function_uncertain_variant.
ClinVar note: "not provided" was previously submitted as the classification for the variant. However, the classification appeared to be based only on an observation of functional data so it was converted to no classification on 2025-07-30.

NM_007294.4(BRCA1):c.5278-7C>A

Gene: BRCA1 (BRCA1 DNA repair associated; minus strand). Cytogenetic location: 17q21.31.
Variant type: single nucleotide variant.
Coding change: c.5278-7C>A on transcript NM_007294.4 (MANE Select); 7 bases into the intron before coding-DNA position 5278, C replaced by A.
Molecular consequence: intron variant.
Genome position (GRCh38, 1-based): chr17:43,051,124, G>T on the plus strand (C>A on the coding strand, the complement: BRCA1 is on the minus strand). VCF-style: chr17-43051124-G-T. GRCh37 (hg19) VCF-style: chr17-41203141-G-T.
Other names: c.1840-7C>A (NM_001408450.1, NM_001408447.1, NM_001408446.1 and 2 more transcripts); c.1843-7C>A (NM_001408434.1, NM_001408440.1, NM_001408433.1 and 10 more transcripts); c.5152-7C>A (NM_001407672.1, NM_001407678.1, NM_001407673.1 and 10 more transcripts); c.1963-7C>A (NM_001408398.1, NM_001408400.1, NM_001408392.1 and 8 more transcripts); c.1966-7C>A (NM_001407992.1, NM_001407981.1, NM_007298.4 and 12 more transcripts); c.5272-7C>A (NM_001407629.1, NM_001407636.1, NM_001407639.1 and 14 more transcripts); c.5275-7C>A (NM_001407612.1, NM_001407859.1, NM_001407620.1 and 17 more transcripts); c.1846-7C>A (NM_001408428.1, NM_001408429.1, NM_001408426.1 and 4 more transcripts); and 74 more.
Identifiers: ClinVar variation 867329 (VCV000867329.3), dbSNP rs2051216372, ClinGen allele CA916081057.